The following is an entry in ClinVar:

ClinVar aggregate classification (germline): Uncertain significance (1 of 4 stars; one submission).

Submission:

Labcorp Genetics (formerly Invitae), Labcorp
Classification: Uncertain significance. Last evaluated: 2024-05-22. Review status: criteria provided, single submitter. Criteria: Invitae Variant Classification Sherloc (09022015). Collection method: clinical testing. Allele origin: germline.
Comment: This sequence change replaces threonine, which is neutral and polar, with alanine, which is neutral and non-polar, at codon 856 of the PACS2 protein (p.Thr856Ala). This variant is not present in population databases (gnomAD no frequency). This variant has not been reported in the literature in individuals affected with PACS2-related conditions. Advanced modeling of protein sequence and biophysical properties (such as structural, functional, and spatial information, amino acid conservation, physicochemical variation, residue mobility, and thermodynamic stability) performed at Invitae indicates that this missense variant is not expected to disrupt PACS2 protein function with a negative predictive value of 80%. In summary, the available evidence is currently insufficient to determine the role of this variant in disease. Therefore, it has been classified as a Variant of Uncertain Significance.

NM_001100913.3(PACS2):c.2566A>G (p.Thr856Ala)

Gene: PACS2 (phosphofurin acidic cluster sorting protein 2; plus strand). Cytogenetic location: 14q32.33.
Variant type: single nucleotide variant.
Coding change: c.2566A>G on transcript NM_001100913.3 (MANE Select); coding-DNA position 2566, A replaced by G.
Protein change: p.Thr856Ala; replaces threonine 856 with alanine.
Molecular consequence: missense variant.
Genome position (GRCh38, 1-based): chr14:105,393,305, A>G. VCF-style: chr14-105393305-A-G. GRCh37 (hg19) VCF-style: chr14-105859642-A-G.
Other names: c.2296A>G, p.Thr766Ala (NM_001243127.3); c.2521A>G, p.Thr841Ala (NM_015197.4); short protein forms T766A, T841A, T856A.
Identifiers: ClinVar variation 3699909 (VCV003699909.2).